The following is an entry in ClinVar:

ClinVar aggregate classification (germline): Uncertain significance (1 of 4 stars; one submission).

Conditions:
Mucopolysaccharidosis, MPS-III-D (MPS3D). Also called: N-ACETYLGLUCOSAMINE-6-SULFATASE DEFICIENCY; SANFILIPPO SYNDROME D; MPS III D; Mucopoly-saccharidosis type 3D; N-acetylglucosamine-6-sulfate sulfatase deficiency; MPS 3D. Identifiers: Orphanet 581, Orphanet 79272, MedGen C0086650, MONDO:0009658, OMIM 252940.

Submission:

Labcorp Genetics (formerly Invitae), Labcorp
Classification: Uncertain significance for Mucopolysaccharidosis, MPS-III-D. Last evaluated: 2023-10-03. Review status: criteria provided, single submitter. Criteria: Invitae Variant Classification Sherloc (09022015). Collection method: clinical testing. Allele origin: germline.
Comment: This sequence change replaces aspartic acid, which is acidic and polar, with asparagine, which is neutral and polar, at codon 158 of the GNS protein (p.Asp158Asn). This variant is not present in population databases (gnomAD no frequency). This variant has not been reported in the literature in individuals affected with GNS-related conditions. ClinVar contains an entry for this variant (Variation ID: 1935330). An algorithm developed to predict the effect of missense changes on protein structure and function (PolyPhen-2) suggests that this variant¬†is likely to be tolerated. In summary, the available evidence is currently insufficient to determine the role of this variant in disease. Therefore, it has been classified as a Variant of Uncertain Significance.

NM_002076.4(GNS):c.472G>A (p.Asp158Asn)

Gene: GNS (glucosamine (N-acetyl)-6-sulfatase; minus strand). Cytogenetic location: 12q14.3.
Variant type: single nucleotide variant.
Coding change: c.472G>A on transcript NM_002076.4 (MANE Select); coding-DNA position 472, G replaced by A.
Protein change: p.Asp158Asn; replaces aspartic acid 158 with asparagine.
Molecular consequence: missense variant.
Genome position (GRCh38, 1-based): chr12:64,745,712, C>T on the plus strand (G>A on the coding strand, the complement: GNS is on the minus strand). VCF-style: chr12-64745712-C-T. GRCh37 (hg19) VCF-style: chr12-65139492-C-T.
Other names: short protein forms D158N.
Identifiers: ClinVar variation 1935330 (VCV001935330.4), dbSNP rs2539526001, ClinGen allele CA385610472.